The following is an entry in ClinVar:

ClinVar aggregate classification (germline): Pathogenic (1 of 4 stars; one submission).

Conditions:
Glycine encephalopathy. Also called: Nonketotic hyperglycinemia; Non-ketotic hyperglycinemia. Identifiers: Orphanet 407, MedGen C0751748, MONDO:0011612, HP:0008288.

Submission:

Labcorp Genetics (formerly Invitae), Labcorp
Classification: Pathogenic for Glycine encephalopathy. Last evaluated: 2022-05-28. Review status: criteria provided, single submitter. Criteria: Invitae Variant Classification Sherloc (09022015). Collection method: clinical testing. Allele origin: germline.
Comment: This sequence change creates a premature translational stop signal (p.Ser948Valfs*43) in the GLDC gene. While this is not anticipated to result in nonsense mediated decay, it is expected to disrupt the last 73 amino acid(s) of the GLDC protein. This variant is not present in population databases (gnomAD no frequency). This variant has not been reported in the literature in individuals affected with GLDC-related conditions. This variant disrupts a region of the GLDC protein in which other variant(s) (p.Gly994Arg) have been determined to be pathogenic (PMID: 26179960, 27362913, 28244183). This suggests that this is a clinically significant region of the protein, and that variants that disrupt it are likely to be disease-causing. For these reasons, this variant has been classified as Pathogenic.

Literature cited by the submitters: PubMed 26179960; PubMed 27362913; PubMed 28244183.

NM_000170.3(GLDC):c.2841dup (p.Ser948fs)

Gene: GLDC (glycine decarboxylase; minus strand). Cytogenetic location: 9p24.1.
Variant type: Duplication.
Coding change: c.2841dup on transcript NM_000170.3 (MANE Select); coding-DNA position 2841, one base duplicated (G; older notation c.2841dupG).
Protein change: p.Ser948fs; shifts the reading frame from serine 948.
Molecular consequence: frameshift variant.
Genome position (GRCh38, 1-based): chr9:6,534,786, C duplicated on the plus strand (G on the coding strand, the reverse complement: GLDC is on the minus strand). VCF-style (leftmost placement, unchanged base first): chr9-6534785-A-AC. GRCh37 (hg19) VCF-style: chr9-6534785-A-AC.
Other names: short protein forms S948fs.
Identifiers: ClinVar variation 1995417 (VCV001995417.4), dbSNP rs2489008925, ClinGen allele CA2580080261.